The following is an entry in ClinVar:

NM_015378.4(VPS13D):c.10103T>C (p.Ile3368Thr)

Gene: VPS13D (vacuolar protein sorting 13 homolog D; plus strand). Cytogenetic location: 1p36.22.
Variant type: single nucleotide variant.
Coding change: c.10103T>C on transcript NM_015378.4 (MANE Select); coding-DNA position 10103, T replaced by C.
Protein change: p.Ile3368Thr; replaces isoleucine 3368 with threonine.
Molecular consequence: missense variant.
Genome position (GRCh38, 1-based): chr1:12,358,563, T>C. VCF-style: chr1-12358563-T-C. GRCh37 (hg19) VCF-style: chr1-12418619-T-C.
Other names: p.Ile3368Thr; c.10028T>C, p.Ile3343Thr (NM_018156.4); c.10103T>C (NM_015378.2); short protein forms I3368T, I3343T.
Identifiers: ClinVar variation 4540735 (VCV004540735.1).
Genomic context (GRCh38, chr1:12,358,563, plus strand): 5'-CGGGCTGGTGTCAGGGCTTCTCCCTGGATGGTGGTAGTGGTGTCCGAGCTTTGAAAGTCA[T>C]CCAGCAAGGAAACCGCCCAGGGCTGATCTATAACATTGGTGGGTTACATTTGGGGCAGCG-3'
Protein context (NP_056193.2, residues 3358-3378): GGSGVRALKV[Ile3368Thr]QQGNRPGLIY

ClinVar aggregate classification (germline): Uncertain significance. Review status: criteria provided, multiple submitters, no conflicts (2 of 4 stars). 2 submissions from 2 submitters: Uncertain significance (2). Last evaluated 2025-10-02.

Conditions:
Inborn genetic diseases. Identifiers: MedGen C0950123, MeSH D030342.

gnomAD v4.1: 7 of 1,614,040 alleles (0.00043%); highest among the groups gnomAD compares: African/African-American, 0.0093%; no homozygotes.

Submissions (2):

Ambry Genetics
Classification: Uncertain significance for Inborn genetic diseases. Last evaluated: 2025-10-02. Review status: criteria provided, single submitter. Criteria: Ambry Variant Classification Scheme 2023. Collection method: clinical testing. Allele origin: germline.

Mayo Clinic Laboratories, Mayo Clinic
Classification: Uncertain significance. Last evaluated: 2025-08-06. Review status: criteria provided, single submitter. Criteria: ACMG Guidelines, 2015. Collection method: clinical testing. Allele origin: germline. Observed: 1 variant allele.
Comment: BP4_moderate